The following is an entry in ClinVar:

ClinVar aggregate classification (germline): Likely benign. Review status: criteria provided, multiple submitters, no conflicts (2 of 4 stars). 3 submissions from 3 submitters: Likely benign (3). Last evaluated 2025-08-29.

Conditions:
Inborn genetic diseases. Identifiers: MedGen C0950123, MeSH D030342.

Allele frequency attached by ClinVar (database versions not stated): gnomAD 0.00001; gnomAD exomes 0.00002; ExAC 0.00003; TOPMed 0.00003.
gnomAD v4.1: 37 of 1,613,394 alleles (0.0023%); highest among the groups gnomAD compares: Admixed American, 0.022%; no homozygotes.

Submissions (3):

Ambry Genetics
Classification: Likely benign for Inborn genetic diseases. Last evaluated: 2025-08-29. Review status: criteria provided, single submitter. Criteria: Ambry Variant Classification Scheme 2023. Collection method: clinical testing. Allele origin: germline.

Labcorp Genetics (formerly Invitae), Labcorp
Classification: Likely benign. Last evaluated: 2025-07-29. Review status: criteria provided, single submitter. Criteria: Invitae Variant Classification Sherloc (09022015). Collection method: clinical testing. Allele origin: germline.

CeGaT Center for Human Genetics Tuebingen
Classification: Likely benign. Last evaluated: 2023-11-01. Review status: criteria provided, single submitter. Criteria: CeGaT Center For Human Genetics Tuebingen Variant Classification Criteria Version 2. Collection method: clinical testing. Allele origin: germline. Affected: yes. Observed: 1 variant allele.
Comment: RERE: BS1

NM_001042681.2(RERE):c.4214G>A (p.Arg1405His)

Gene: RERE (arginine-glutamic acid dipeptide repeats; minus strand). Cytogenetic location: 1p36.23.
Variant type: single nucleotide variant.
Coding change: c.4214G>A on transcript NM_001042681.2 (MANE Select); coding-DNA position 4214, G replaced by A.
Protein change: p.Arg1405His; replaces arginine 1405 with histidine.
Molecular consequence: missense variant.
Genome position (GRCh38, 1-based): chr1:8,358,321, C>T on the plus strand (G>A on the coding strand, the complement: RERE is on the minus strand). VCF-style: chr1-8358321-C-T. GRCh37 (hg19) VCF-style: chr1-8418381-C-T.
Other names: c.4214G>A (NM_012102.3); c.2552G>A, p.Arg851His (NM_001042682.2); c.4214G>A, p.Arg1405His (NM_012102.4); short protein forms R1405H, R851H.
Identifiers: ClinVar variation 2197161 (VCV002197161.28), dbSNP rs767001616, ClinGen allele CA570867.